The following is an entry in ClinVar:

NM_014625.4(NPHS2):c.377del (p.Lys126fs)

Gene: NPHS2 (NPHS2 stomatin family member, podocin; minus strand). Cytogenetic location: 1q25.2.
Variant type: Deletion.
Coding change: c.377del on transcript NM_014625.4 (MANE Select); coding-DNA position 377, one base deleted (A; older notation c.377delA).
Protein change: p.Lys126fs; shifts the reading frame from lysine 126.
Molecular consequence: frameshift variant.
Genome position (GRCh38, 1-based): chr1:179,564,691, T deleted on the plus strand (A on the coding strand, the reverse complement: NPHS2 is on the minus strand); the first of 3 consecutive T bases (chr1:179,564,691-179,564,693); deleting any one gives the same sequence. VCF-style (leftmost placement, unchanged base first): chr1-179564690-CT-C. GRCh37 (hg19) VCF-style: chr1-179533825-CT-C.
Other names: c.377del, p.Lys126fs (NM_001297575.2); c.375delA, p.Lys126Argfs (NM_014625.3); short protein forms K126fs.
Identifiers: ClinVar variation 4059073 (VCV004059073.3).

ClinVar aggregate classification (germline): Pathogenic. Review status: criteria provided, multiple submitters, no conflicts (2 of 4 stars). 2 submissions from 2 submitters: Pathogenic (2). Last evaluated 2025-10-21.

Conditions:
Nephrotic syndrome, type 2 (NPHS2). Also called: NEPHROTIC SYNDROME, STEROID-RESISTANT, AUTOSOMAL RECESSIVE. Identifiers: Orphanet 656, MedGen C1868672, MONDO:0010974, OMIM 600995.
Steroid-resistant nephrotic syndrome. Identifiers: MedGen C0403397, MONDO:0044765, HP:0012588.

Submissions (2):

Myriad Genetics, Inc.
Classification: Pathogenic for Nephrotic syndrome, type 2. Last evaluated: 2025-10-21. Review status: criteria provided, single submitter. Criteria: Myriad Autosomal Dominant, Autosomal Recessive and X-Linked Classification Criteria (2023). Collection method: clinical testing. Allele origin: unknown.
Comment: NM_014625.2(NPHS2):c.377delA(K126Rfs*9) is a frameshift variant classified as pathogenic in the context of nephrotic syndrome, NPHS2-related. K126Rfs*9 has been observed in a case with relevant disease (PMID: 25349199). Relevant functional assessments of this variant are not available in the literature. K126Rfs*9 has been observed in referenced population frequency databases. In summary, NM_014625.2(NPHS2):c.377delA(K126Rfs*9) is a frameshift variant in a gene where loss of function is a known mechanism of disease, is predicted to disrupt protein function, and has been observed more frequently in cases with the relevant disease than in healthy populations. Please note: this variant was assessed in the context of healthy population screening.

Natera, Inc.
Classification: Pathogenic for Steroid-resistant nephrotic syndrome. Last evaluated: 2025-04-21. Review status: criteria provided, single submitter. Criteria: Natera Variant Classification Schema (03/2026). Collection method: clinical testing. Allele origin: germline.
Comment: The c.377del variant in NPHS2 is a frameshift variant predicted to shift the reading frame beginning at codon 126 and leads to a stop codon 9 codons downstream. This variant is expected to result in nonsense mediated decay, truncation, or a dysfunctional protein product. This variant is rare in the general population with a frequency below the threshold expected for the associated phenotype(s). This variant has been observed in one or more individuals affected with the associated recessive disease, as either homozygous or compound heterozygous with a second variant (PMID: 25349199). Given the available evidence, this variant is classified as Pathogenic.

Literature cited by the submitters: PubMed 25349199 (cited by Myriad Genetics, Inc. and Natera, Inc.).